The following is an entry in ClinVar:

NM_001127208.3(TET2):c.979T>C (p.Ser327Pro)

Genes: TET2 (tet methylcytosine dioxygenase 2; plus strand), TET2-AS1 (TET2 antisense RNA 1; minus strand). Cytogenetic location: 4q24.
Variant type: single nucleotide variant.
Coding change: c.979T>C on transcript NM_001127208.3 (MANE Select); coding-DNA position 979, T replaced by C.
Protein change: p.Ser327Pro; replaces serine 327 with proline.
Molecular consequence: missense variant.
Genome position (GRCh38, 1-based): chr4:105,234,921, T>C. VCF-style: chr4-105234921-T-C. GRCh37 (hg19) VCF-style: chr4-106156078-T-C.
Other names: c.979T>C, p.Ser327Pro (NM_017628.4); short protein forms S327P.
Identifiers: ClinVar variation 4183019 (VCV004183019.1).

ClinVar aggregate classification (germline): Uncertain significance (1 of 4 stars; one submission).

gnomAD v4.1: 17 of 1,613,946 alleles (0.0011%); highest among the groups gnomAD compares: Non-Finnish European, 0.0014%; no homozygotes.

Submission:

Ambry Genetics
Classification: Uncertain significance. Last evaluated: 2025-08-14. Review status: criteria provided, single submitter. Criteria: Ambry Variant Classification Scheme 2023. Collection method: clinical testing. Allele origin: germline.
Comment: The p.S327P variant (also known as c.979T>C), located in coding exon 1 of the TET2 gene, results from a T to C substitution at nucleotide position 979. The serine at codon 327 is replaced by proline, an amino acid with similar properties. This amino acid position is conserved. In addition, this alteration is predicted to be tolerated by in silico analysis. Based on the available evidence, the clinical significance of this variant remains unclear.